The following is an entry in ClinVar:

ClinVar aggregate classification (germline): Uncertain significance. Review status: criteria provided, single submitter (1 of 4 stars). 2 submissions from 2 submitters: Uncertain significance (1). 1 of the submissions does not count toward it. Last evaluated 2022-07-19.

Conditions:
Retinitis pigmentosa 26 (RP26). Identifiers: Orphanet 791, MedGen C1842127, MONDO:0012024, OMIM 608380.

Allele frequency attached by ClinVar (database versions not stated): TOPMed 0.00001; gnomAD 0.00002.
gnomAD v4.1: 20 of 1,604,732 alleles (0.0012%); highest among the groups gnomAD compares: African/African-American, 0.0027%; no homozygotes.

Submissions (2):

Labcorp Genetics (formerly Invitae), Labcorp
Classification: Uncertain significance. Last evaluated: 2022-07-19. Review status: criteria provided, single submitter. Criteria: Invitae Variant Classification Sherloc (09022015). Collection method: clinical testing. Allele origin: germline.
Comment: This sequence change replaces glycine, which is neutral and non-polar, with arginine, which is basic and polar, at codon 55 of the CERKL protein (p.Gly55Arg). This variant is present in population databases (rs549986396, gnomAD 0.007%). This variant has not been reported in the literature in individuals affected with CERKL-related conditions. ClinVar contains an entry for this variant (Variation ID: 972344). Algorithms developed to predict the effect of missense changes on protein structure and function output the following: SIFT: "Tolerated"; PolyPhen-2: "Benign"; Align-GVGD: "Class C0". The arginine amino acid residue is found in multiple mammalian species, which suggests that this missense change does not adversely affect protein function. In summary, the available evidence is currently insufficient to determine the role of this variant in disease. Therefore, it has been classified as a Variant of Uncertain Significance.

Natera, Inc.
Classification: Uncertain significance for Retinitis Pigmentosa 26. Last evaluated: 2020-11-10. Review status: no assertion criteria provided. Collection method: clinical testing. Allele origin: germline. Not counted in ClinVar's aggregate classification.

NM_201548.5(CERKL):c.163G>C (p.Gly55Arg)

Gene: CERKL (CERK like autophagy regulator; minus strand). Cytogenetic location: 2q31.3.
Variant type: single nucleotide variant.
Coding change: c.163G>C on transcript NM_201548.5 (MANE Select); coding-DNA position 163, G replaced by C.
Protein change: p.Gly55Arg; replaces glycine 55 with arginine.
Molecular consequence: missense variant. On other transcripts: non-coding transcript variant (2).
Genome position (GRCh38, 1-based): chr2:181,656,844, C>G on the plus strand (G>C on the coding strand, the complement: CERKL is on the minus strand). VCF-style: chr2-181656844-C-G. GRCh37 (hg19) VCF-style: chr2-182521571-C-G.
Other names: c.163G>C, p.Gly55Arg (NM_001030311.3, NM_001030312.3, NM_001030313.3 and 1 more transcripts); short protein forms G55R.
Identifiers: ClinVar variation 972344 (VCV000972344.4), dbSNP rs549986396, ClinGen allele CA2010937.
Genomic context (GRCh38, chr2:181,656,844, plus strand): 5'-GCTGAATGGGCCGCCACCGCAGTGCTCGCTCGCTCAGCACCACGTCACAACTGTCCCTCC[C>G]GATCTCGAAGATGCCCCGGAGCAGAATCCGCTCGGCCGCCGCCTCCGTCTGCTGCGGGGA-3'
Protein context (NP_963842.1, residues 45-65): RILLRGIFEI[Gly55Arg]RDSCDVVLSE